The following is an entry in ClinVar:

ClinVar aggregate classification (germline): Conflicting classifications of pathogenicity. Review status: criteria provided, conflicting classifications (1 of 4 stars). 2 submissions from 2 submitters: Uncertain significance (1); Likely benign (1). Last evaluated 2026-01-19.

Conditions:
Mitochondrial myopathy-cerebellar ataxia-pigmentary retinopathy syndrome. Also called: MYOPATHY, MITOCHONDRIAL, AND ATAXIA. Identifiers: Orphanet 502423, MedGen C4540096, MONDO:0044714, OMIM 617675.

Allele frequency attached by ClinVar (database versions not stated): gnomAD 0.00008 and 0.00007; TOPMed 0.00022; ExAC 0.00024; gnomAD exomes 0.00032.
gnomAD v4.1: 108 of 1,613,988 alleles (0.0067%); highest among the groups gnomAD compares: Admixed American, 0.17%; no homozygotes.

Submissions (2):

Labcorp Genetics (formerly Invitae), Labcorp
Classification: Likely benign. Last evaluated: 2026-01-19. Review status: criteria provided, single submitter. Criteria: Invitae Variant Classification Sherloc (09022015). Collection method: clinical testing. Allele origin: germline.

Baylor Genetics
Classification: Uncertain significance for Mitochondrial myopathy-cerebellar ataxia-pigmentary retinopathy syndrome. Last evaluated: 2018-02-28. Review status: criteria provided, single submitter. Criteria: ACMG Guidelines, 2015. Collection method: clinical testing. Allele origin: maternal. Affected: yes.
Comment: This variant was determined to be of uncertain significance according to ACMG Guidelines, 2015 [PMID:25741868].

NM_018116.4(MSTO1):c.1229G>A (p.Arg410His)

Gene: MSTO1 (misato mitochondrial distribution and morphology regulator 1; plus strand). Cytogenetic location: 1q22.
Variant type: single nucleotide variant.
Coding change: c.1229G>A on transcript NM_018116.4 (MANE Select); coding-DNA position 1229, G replaced by A.
Protein change: p.Arg410His; replaces arginine 410 with histidine.
Molecular consequence: missense variant. On other transcripts: non-coding transcript variant (6).
Genome position (GRCh38, 1-based): chr1:155,613,179, G>A. VCF-style: chr1-155613179-G-A. GRCh37 (hg19) VCF-style: chr1-155582970-G-A.
Other names: c.1229G>A, p.Arg410His (NM_001256532.1, NM_001256533.1, NM_001350772.1 and 3 more transcripts); c.1064G>A, p.Arg355His (NM_001350776.1); c.698G>A, p.Arg233His (NM_001350777.1, NM_001350778.1, NM_001350779.1); c.695G>A, p.Arg232His (NM_001350780.1, NM_001350781.1, NM_001350782.1 and 3 more transcripts); c.686G>A, p.Arg229His (NM_001350784.1, NM_001350785.1, NM_001350787.1 and 1 more transcripts); short protein forms R232H, R355H, R229H, R410H, R233H.
Identifiers: ClinVar variation 1033468 (VCV001033468.6), dbSNP rs767313156, ClinGen allele CA1148145.